The following is an entry in ClinVar:

ClinVar aggregate classification (germline): Uncertain significance. Review status: criteria provided, multiple submitters, no conflicts (2 of 4 stars). 2 submissions from 2 submitters: Uncertain significance (2). Last evaluated 2022-08-16.

Conditions:
Very long chain acyl-CoA dehydrogenase deficiency (ACADVLD). Also called: Very Long-Chain Acyl-Coenzyme A Dehydrogenase Deficiency; VLCAD Deficiency. Identifiers: Orphanet 26793, MedGen C3887523, MONDO:0008723, OMIM 201475.

Allele frequency attached by ClinVar (database versions not stated): ExAC 0.00001; gnomAD 0.00002; gnomAD exomes 0.00002 and 0.00004; TOPMed 0.00003.

Submissions (2):

Labcorp Genetics (formerly Invitae), Labcorp
Classification: Uncertain significance for Very long chain acyl-CoA dehydrogenase deficiency. Last evaluated: 2022-08-16. Review status: criteria provided, single submitter. Criteria: Invitae Variant Classification Sherloc (09022015). Collection method: clinical testing. Allele origin: germline.
Comment: This sequence change replaces glycine, which is neutral and non-polar, with arginine, which is basic and polar, at codon 314 of the ACADVL protein (p.Gly314Arg). This variant is present in population databases (rs775669454, gnomAD 0.01%). This variant has not been reported in the literature in individuals affected with ACADVL-related conditions. ClinVar contains an entry for this variant (Variation ID: 932892). Algorithms developed to predict the effect of missense changes on protein structure and function are either unavailable or do not agree on the potential impact of this missense change (SIFT: "Deleterious"; PolyPhen-2: "Benign"; Align-GVGD: "Class C0"). Algorithms developed to predict the effect of sequence changes on RNA splicing suggest that this variant may create or strengthen a splice site. In summary, the available evidence is currently insufficient to determine the role of this variant in disease. Therefore, it has been classified as a Variant of Uncertain Significance.

Wong Mito Lab, Molecular and Human Genetics, Baylor College of Medicine
Classification: Uncertain significance for Very long chain acyl-CoA dehydrogenase deficiency. Last evaluated: 2019-11-01. Review status: criteria provided, single submitter. Criteria: ACMG Guidelines, 2015. Collection method: clinical testing. Allele origin: germline.
Comment: The NM_000018.3:c.940G>A (NP_000009.1:p.Gly314Arg) [GRCH38: NC_000017.11:g.7222728G>A] variant in ACADVL gene is interpretated to be Uncertain Significance based on ACMG guidelines (PMID: 25741868). This variant has been reported. This variant dose not meet any evidence codes reported in the ACMG guidelines.

NM_000018.4(ACADVL):c.940G>A (p.Gly314Arg)

Gene: ACADVL (acyl-CoA dehydrogenase very long chain; plus strand). Cytogenetic location: 17p13.1.
Variant type: single nucleotide variant.
Coding change: c.940G>A on transcript NM_000018.4 (MANE Select); coding-DNA position 940, G replaced by A.
Protein change: p.Gly314Arg; replaces glycine 314 with arginine.
Molecular consequence: missense variant.
Genome position (GRCh38, 1-based): chr17:7,222,728, G>A. VCF-style: chr17-7222728-G-A. GRCh37 (hg19) VCF-style: chr17-7126047-G-A.
Other names: c.874G>A, p.Gly292Arg (NM_001033859.3); c.1009G>A, p.Gly337Arg (NM_001270447.2); c.712G>A, p.Gly238Arg (NM_001270448.2); short protein forms G292R, G314R, G238R, G337R.
Identifiers: ClinVar variation 932892 (VCV000932892.5), dbSNP rs775669454, ClinGen allele CA8337907.